The following is an entry in ClinVar:

NM_002109.6(HARS1):c.286G>A (p.Val96Ile)

Gene: HARS1 (histidyl-tRNA synthetase 1; minus strand). Cytogenetic location: 5q31.3.
Variant type: single nucleotide variant.
Coding change: c.286G>A on transcript NM_002109.6 (MANE Select); coding-DNA position 286, G replaced by A.
Protein change: p.Val96Ile; replaces valine 96 with isoleucine.
Molecular consequence: missense variant. On other transcripts: intron variant (3).
Genome position (GRCh38, 1-based): chr5:140,683,114, C>T on the plus strand (G>A on the coding strand, the complement: HARS1 is on the minus strand). VCF-style: chr5-140683114-C-T. GRCh37 (hg19) VCF-style: chr5-140062699-C-T.
Other names: c.286G>A, p.Val96Ile (NM_001258041.3, NM_001289092.2); c.199G>A, p.Val67Ile (NM_001289094.2); c.181-5099G>A (NM_001289093.2); c.181-3231G>A (NM_001258042.3, NM_001258040.3); short protein forms V67I, V96I.
Identifiers: ClinVar variation 1680360 (VCV001680360.6), dbSNP rs1758818774, ClinGen allele CA361258911.

ClinVar aggregate classification (germline): Uncertain significance (1 of 4 stars; one submission).

Conditions:
Usher syndrome type 3B. Also called: USHER SYNDROME, TYPE IIIB. Identifiers: MedGen C3281066, MONDO:0013788, OMIM 614504.

Submission:

Labcorp Genetics (formerly Invitae), Labcorp
Classification: Uncertain significance for Usher syndrome type 3B. Last evaluated: 2022-07-11. Review status: criteria provided, single submitter. Criteria: Invitae Variant Classification Sherloc (09022015). Collection method: clinical testing. Allele origin: germline.
Comment: This sequence change replaces valine, which is neutral and non-polar, with isoleucine, which is neutral and non-polar, at codon 96 of the HARS protein (p.Val96Ile). This variant is not present in population databases (gnomAD no frequency). This variant has not been reported in the literature in individuals affected with HARS-related conditions. In summary, the available evidence is currently insufficient to determine the role of this variant in disease. Therefore, it has been classified as a Variant of Uncertain Significance. ClinVar contains an entry for this variant (Variation ID: 1680360). Algorithms developed to predict the effect of missense changes on protein structure and function are either unavailable or do not agree on the potential impact of this missense change (SIFT: "Tolerated"; PolyPhen-2: "Possibly Damaging"; Align-GVGD: "Class C0").